The following is an entry in ClinVar:

NM_004663.5(RAB11A):c.430+4A>G

Gene: RAB11A (RAB11A, member RAS oncogene family; plus strand). Cytogenetic location: 15q22.31.
Variant type: single nucleotide variant.
Coding change: c.430+4A>G on transcript NM_004663.5 (MANE Select); 4 bases into the intron after coding-DNA position 430, A replaced by G.
Molecular consequence: intron variant.
Genome position (GRCh38, 1-based): chr15:65,877,959, A>G. VCF-style: chr15-65877959-A-G. GRCh37 (hg19) VCF-style: chr15-66170297-A-G.
Other names: c.430+4A>G (NM_001206836.2).
Identifiers: ClinVar variation 2697279 (VCV002697279.3), dbSNP rs2549035655, ClinGen allele CA2697549156.

ClinVar aggregate classification (germline): Uncertain significance (1 of 4 stars; one submission).

Submission:

Labcorp Genetics (formerly Invitae), Labcorp
Classification: Uncertain significance. Last evaluated: 2023-11-27. Review status: criteria provided, single submitter. Criteria: Invitae Variant Classification Sherloc (09022015). Collection method: clinical testing. Allele origin: germline.
Comment: This sequence change falls in intron 3 of the RAB11A gene. It does not directly change the encoded amino acid sequence of the RAB11A protein. It affects a nucleotide within the consensus splice site. This variant is not present in population databases (gnomAD no frequency). This variant has not been reported in the literature in individuals affected with RAB11A-related conditions. Variants that disrupt the consensus splice site are a relatively common cause of aberrant splicing (PMID: 17576681, 9536098). Algorithms developed to predict the effect of sequence changes on RNA splicing suggest that this variant is not likely to affect RNA splicing. In summary, the available evidence is currently insufficient to determine the role of this variant in disease. Therefore, it has been classified as a Variant of Uncertain Significance.

Literature cited by the submitters: PubMed 17576681; PubMed 9536098.